The following is an entry in ClinVar:

NM_013266.4(CTNNA3):c.1146A>G (p.Ile382Met)

Gene: CTNNA3 (catenin alpha 3; minus strand). Cytogenetic location: 10q21.3.
Variant type: single nucleotide variant.
Coding change: c.1146A>G on transcript NM_013266.4 (MANE Select); coding-DNA position 1146, A replaced by G.
Protein change: p.Ile382Met; replaces isoleucine 382 with methionine.
Molecular consequence: missense variant.
Genome position (GRCh38, 1-based): chr10:66,766,399, T>C on the plus strand (A>G on the coding strand, the complement: CTNNA3 is on the minus strand). VCF-style: chr10-66766399-T-C. GRCh37 (hg19) VCF-style: chr10-68526157-T-C.
Other names: c.1146A>G, p.Ile382Met (NM_001127384.3); short protein forms I382M.
Identifiers: ClinVar variation 4869500 (VCV004869500.1).

ClinVar aggregate classification (germline): Uncertain significance (1 of 4 stars; one submission).

Submission:

Ambry Genetics
Classification: Uncertain significance. Last evaluated: 2026-04-18. Review status: criteria provided, single submitter. Criteria: Ambry Variant Classification Scheme 2023. Collection method: clinical testing. Allele origin: germline.
Comment: The p.I382M variant (also known as c.1146A>G), located in coding exon 8 of the CTNNA3 gene, results from an A to G substitution at nucleotide position 1146. The isoleucine at codon 382 is replaced by methionine, an amino acid with highly similar properties. This amino acid position is conserved. In addition, this alteration is predicted to be tolerated by in silico analysis. Based on the available evidence, the clinical significance of this variant remains unclear.